The following is an entry in ClinVar:

NM_004006.3(DMD):c.2399G>A (p.Ser800Asn)

Gene: DMD (dystrophin; minus strand). Cytogenetic location: Xp21.1.
Variant type: single nucleotide variant.
Coding change: c.2399G>A on transcript NM_004006.3 (MANE Select); coding-DNA position 2399, G replaced by A.
Protein change: p.Ser800Asn; replaces serine 800 with asparagine.
Molecular consequence: missense variant.
Genome position (GRCh38, 1-based): chrX:32,491,500, C>T on the plus strand (G>A on the coding strand, the complement: DMD is on the minus strand). VCF-style: chrX-32491500-C-T. GRCh37 (hg19) VCF-style: chrX-32509617-C-T.
Other names: c.2375G>A, p.Ser792Asn (NM_000109.4); c.2387G>A, p.Ser796Asn (NM_004009.3); c.2030G>A, p.Ser677Asn (NM_004010.3); short protein forms S677N, S796N, S792N, S800N.
Identifiers: ClinVar variation 681659 (VCV000681659.6), dbSNP rs991360358, ClinGen allele CA328020048.
Genomic context (GRCh38, chrX:32,491,500, plus strand): 5'-CTTAGCAACTGGCAGAATTCGATCCACCGGCTGTTCAGTTGTTCTGAGGCTTGTTTGATG[C>T]TATCTGCATTAACACCCTCTAGAAAGAAAAAAATAATTAAATATATCCCCTGAACCCACA-3'
Protein context (NP_003997.2, residues 790-810): QMVNEGVNAD[Ser800Asn]IKQASEQLNS

ClinVar aggregate classification (germline): Conflicting classifications of pathogenicity. Review status: criteria provided, conflicting classifications (1 of 4 stars). 2 submissions from 2 submitters: Uncertain significance (1); Likely benign (1). Last evaluated 2022-07-21.

Conditions:
Duchenne muscular dystrophy (DMD). Also called: MUSCULAR DYSTROPHY, PSEUDOHYPERTROPHIC PROGRESSIVE, DUCHENNE TYPE; Duchenne Muscular Dystrophy (DMD). Identifiers: Orphanet 98896, MedGen C0013264, MONDO:0010679, OMIM 310200.

Allele frequency attached by ClinVar (database versions not stated): gnomAD 0.00001; gnomAD exomes 0.00001 and 0.00002.
gnomAD v4.1: 19 of 1,208,161 alleles (0.0016%); highest among the groups gnomAD compares: Non-Finnish European, 0.0021%; no homozygotes.

Submissions (2):

Labcorp Genetics (formerly Invitae), Labcorp
Classification: Uncertain significance for Duchenne muscular dystrophy. Last evaluated: 2022-07-21. Review status: criteria provided, single submitter. Criteria: Invitae Variant Classification Sherloc (09022015). Collection method: clinical testing. Allele origin: germline.
Comment: In summary, the available evidence is currently insufficient to determine the role of this variant in disease. Therefore, it has been classified as a Variant of Uncertain Significance. Algorithms developed to predict the effect of missense changes on protein structure and function are either unavailable or do not agree on the potential impact of this missense change (SIFT: "Tolerated"; PolyPhen-2: "Possibly Damaging"; Align-GVGD: "Class C0"). ClinVar contains an entry for this variant (Variation ID: 681659). This variant has not been reported in the literature in individuals affected with DMD-related conditions. The frequency data for this variant in the population databases is considered unreliable, as metrics indicate poor data quality at this position in the gnomAD database. This sequence change replaces serine, which is neutral and polar, with asparagine, which is neutral and polar, at codon 800 of the DMD protein (p.Ser800Asn).

GeneDx
Classification: Likely benign. Last evaluated: 2018-04-09. Review status: criteria provided, single submitter. Criteria: GeneDx Variant Classification (06012015). Collection method: clinical testing. Allele origin: germline. Affected: yes.
Comment: This variant is considered likely benign or benign based on one or more of the following criteria: it is a conservative change, it occurs at a poorly conserved position in the protein, it is predicted to be benign by multiple in silico algorithms, and/or has population frequency not consistent with disease.